The following is an entry in ClinVar:

NM_016023.5(OTUD6B):c.776C>A (p.Ser259Ter)

Gene: OTUD6B (OTU deubiquitinase 6B; plus strand). Cytogenetic location: 8q21.3.
Variant type: single nucleotide variant.
Coding change: c.776C>A on transcript NM_016023.5 (MANE Select); coding-DNA position 776, C replaced by A.
Protein change: p.Ser259Ter; replaces serine 259 with a stop codon.
Molecular consequence: nonsense.
Genome position (GRCh38, 1-based): chr8:91,084,093, C>A. VCF-style: chr8-91084093-C-A. GRCh37 (hg19) VCF-style: chr8-92096321-C-A.
Other names: NM_001286745.3:c.473C>A; c.473C>A, p.Ser158Ter (NM_001286745.3); c.695C>A, p.Ser232Ter (NM_001416022.1); short protein forms S158*, S232*, S259*.
Identifiers: ClinVar variation 3061832 (VCV003061832.1), dbSNP rs1563584212, ClinGen allele CA371662847.
Genomic context (GRCh38, chr8:91,084,093, plus strand): 5'-AAACACCAATAGAGATAATACAGGCAGATTCTCCTCCCATTATAGTTGGTGAAGAATATT[C>A]AAAAAAACCACTAATACTTGTGTAAGTACCTAGACATTTTTACTGTTTTATTTTTCACAA-3'

ClinVar aggregate classification (germline): Uncertain significance (1 of 4 stars; one submission).

Conditions:
Intellectual developmental disorder with dysmorphic facies, seizures, and distal limb anomalies (IDDFSDA). Identifiers: Orphanet 505237, MedGen C4479520, MONDO:0044319, OMIM 617452.

gnomAD v4.1: 1 of 1,546,172 alleles (0.000065%); highest among the groups gnomAD compares: Middle Eastern, 0.017%; no homozygotes.

Submission:

Broad Center for Mendelian Genomics, Broad Institute of MIT and Harvard
Classification: Uncertain significance for Intellectual developmental disorder with dysmorphic facies, seizures, and distal limb anomalies. Last evaluated: 2024-03-13. Review status: criteria provided, single submitter. Criteria: ACMG Guidelines, 2015. Collection method: curation. Allele origin: germline. Inheritance: Autosomal recessive inheritance.
Comment: The p.Ser259Ter variant in OTUD6B has not been previously reported in individuals with intellectual developmental disorder with dysmorphic facies, seizures, and distal limb anomalies. This variant was absent from large population studies. This nonsense variant leads to a premature termination codon at position 259. This alteration occurs within the terminal 50 bases of the second to last exon and is more likely to escape nonsense mediated decay (NMD) and result in a truncated protein. Loss of function of the OTUD6B gene is an established disease mechanism in autosomal recessive intellectual developmental disorder with dysmorphic facies, seizures, and distal limb anomalies. We believe this is a possible phenotype expansion for OTUD6B-related disorders. In summary, the clinical significance of the p.Ser259Ter variant is uncertain. ACMG/AMP Criteria applied: PVS1_Moderate, PM2_Supporting (Richards 2015).

Literature cited by the submitters: PubMed 39033378.